The following is an entry in ClinVar:

ClinVar aggregate classification (germline): Conflicting classifications of pathogenicity. Review status: criteria provided, conflicting classifications (1 of 4 stars). 7 submissions from 7 submitters: Uncertain significance (4); Benign (1); Likely benign (1). 1 of the submissions does not count toward it. Last evaluated 2026-02-13.

Conditions:
Hereditary cancer-predisposing syndrome. Also called: Hereditary Cancer Syndrome; Neoplastic Syndromes, Hereditary; Tumor predisposition; Hereditary neoplastic syndrome. Identifiers: Orphanet 140162, MedGen C0027672, MeSH D009386, MONDO:0015356.
Malignant tumor of breast. Also called: Malignant breast neoplasm; Cancer breast. Identifiers: MedGen C0006142, MONDO:0007254. Disease mechanism: loss of function.
Inherited breast cancer and ovarian cancer.
Hereditary breast ovarian cancer syndrome. Also called: Hereditary breast and ovarian cancer syndrome; Hereditary breast and ovarian cancer; Hereditary breast and ovarian cancer syndrome (HBOC); Breast and ovarian cancer; Hereditary breast and/or ovarian cancer syndrome; BRCA1- and BRCA2-Associated Hereditary Breast and Ovarian Cancer. Identifiers: Orphanet 145, MedGen C0677776, MeSH D061325, MONDO:0003582. Disease mechanism: loss of function.

Allele frequency attached by ClinVar (database versions not stated): gnomAD exomes 0.00002.
gnomAD v4.1: 14 of 1,614,180 alleles (0.00087%); highest among the groups gnomAD compares: Non-Finnish European, 0.0012%; no homozygotes.

Submissions (7):

Genomics and Molecular Medicine Service, East Genomic Laboratory Hub, NHS Genomic Medicine Service
Classification: Uncertain significance for Inherited breast cancer and ovarian cancer. Last evaluated: 2026-02-13. Review status: criteria provided, single submitter. Criteria: ACGS Best Practice Guidelines for Variant Classification in Rare Disease 2020. Collection method: clinical testing. Allele origin: germline. Affected: yes.
Comment: BP1_Strong

Labcorp Genetics (formerly Invitae), Labcorp
Classification: Benign for Hereditary breast ovarian cancer syndrome. Last evaluated: 2025-11-04. Review status: criteria provided, single submitter. Criteria: Invitae Variant Classification Sherloc (09022015). Collection method: clinical testing. Allele origin: germline.

Color Diagnostics, LLC DBA Color Health
Classification: Uncertain significance for Hereditary cancer-predisposing syndrome. Last evaluated: 2025-05-06. Review status: criteria provided, single submitter. Criteria: ACMG Guidelines, 2015. Collection method: clinical testing. Allele origin: germline.
Comment: This missense variant replaces glutamic acid with alanine at codon 418 of the BRCA1 protein. Computational prediction suggests that this variant may not impact protein structure and function. To our knowledge, functional studies have not been reported for this variant. This variant has been reported in an individual affected with breast cancer (PMID: 32885271). This variant has not been identified in the general population by the Genome Aggregation Database (gnomAD). The available evidence is insufficient to determine the role of this variant in disease conclusively. Therefore, this variant is classified as a Variant of Uncertain Significance.

Ambry Genetics
Classification: Uncertain significance for Hereditary cancer-predisposing syndrome. Last evaluated: 2024-07-19. Review status: criteria provided, single submitter. Criteria: Ambry Variant Classification Scheme 2023. Collection method: clinical testing. Allele origin: germline.
Comment: The p.E418A variant (also known as c.1253A>C), located in coding exon 9 of the BRCA1 gene, results from an A to C substitution at nucleotide position 1253. The glutamic acid at codon 418 is replaced by alanine, an amino acid with dissimilar properties. This variant was observed in 1/3251 individuals who met eligibility criteria for hereditary breast and ovarian cancer syndrome (Lerner-Ellis J et al. J Cancer Res Clin Oncol, 2021 Mar;147:871-879). This amino acid position is not well conserved in available vertebrate species. In addition, the in silico prediction for this alteration is inconclusive. Based on the available evidence, the clinical significance of this variant remains unclear.

GeneDx
Classification: Uncertain significance. Last evaluated: 2023-05-09. Review status: criteria provided, single submitter. Criteria: GeneDx Variant Classification Process June 2021. Collection method: clinical testing. Allele origin: germline. Affected: yes.
Comment: Not observed at significant frequency in large population cohorts (gnomAD); In silico analysis supports that this missense variant has a deleterious effect on protein structure/function; Observed in an individual with breast cancer (Lerner-Ellis et al., 2021); Also known as 1372A>C; This variant is associated with the following publications: (PMID: 25348012, 31911673, 32885271, 20215511, 10426999, 9582019, 9926942, 15343273)

University of Washington Department of Laboratory Medicine, University of Washington
Classification: Likely benign for Hereditary cancer-predisposing syndrome. Last evaluated: 2023-03-23. Review status: criteria provided, single submitter. Criteria: Dines et al. (Genet Med. 2020). Collection method: curation. Allele origin: germline.
Comment: Missense variant in a coldspot region where missense variants are very unlikely to be pathogenic (PMID:31911673).

BRCA1 coldspot (exon 11 using historical exon numbering). Reclassification based on statistical prior probability

Department of Pathology and Laboratory Medicine, Sinai Health System
Classification: Uncertain significance for Malignant tumor of breast. Review status: no assertion criteria provided. Collection method: clinical testing. Allele origin: unknown. Affected: yes. Study: The Canadian Open Genetics Repository (COGR). Not counted in ClinVar's aggregate classification.
Comment: The BRCA1 p.Glu418Ala variant was not identified in the literature nor was it identified in the dbSNP, ClinVar, Cosmic, MutDB, LOVD 3.0, BIC Database, ARUP Laboratories, Zhejiang Colon Cancer Database, databases. The variant was not identified in the 1000 Genomes Project, the NHLBI GO Exome Sequencing Project or the Exome Aggregation Consortium (August 8th 2016) control databases. The p.Glu418 residue is not conserved in mammals and computational analyses (PolyPhen-2, SIFT, AlignGVGD, BLOSUM, MutationTaster) provide inconsistent predictions regarding the impact to the protein; this information is not very predictive of pathogenicity. The variant occurs outside of the splicing consensus sequence and 4 of 5 in silico or computational prediction software programs (SpliceSiteFinder, MaxEntScan, NNSPLICE, GeneSplicer, HumanSpliceFinder) predict a greater than 10% difference in splicing. However, this information is not predictive enough to assume pathogenicity. The variant is located with the Breast cancer type 1 susceptibility protein (BRCA1) functional domain increasing the likelihood that it may have clinical significance. In summary, based on the above information, the clinical significance of this variant cannot be determined with certainty at this time. This variant is classified as a variant of uncertain significance.

Literature cited by the submitters: PubMed 32885271 (cited by Color Diagnostics, LLC DBA Color Health and Ambry Genetics).

NM_007294.4(BRCA1):c.1253A>C (p.Glu418Ala)

Gene: BRCA1 (BRCA1 DNA repair associated; minus strand). Cytogenetic location: 17q21.31.
Variant type: single nucleotide variant.
Coding change: c.1253A>C on transcript NM_007294.4 (MANE Select); coding-DNA position 1253, A replaced by C.
Protein change: p.Glu418Ala; replaces glutamic acid 418 with alanine.
Molecular consequence: missense variant. On other transcripts: intron variant (137).
Genome position (GRCh38, 1-based): chr17:43,094,278, T>G on the plus strand (A>C on the coding strand, the complement: BRCA1 is on the minus strand). VCF-style: chr17-43094278-T-G. GRCh37 (hg19) VCF-style: chr17-41246295-T-G.
Other names: c.1040A>C, p.Glu347Ala (NM_001407571.1, NM_001407853.1, NM_001407894.1 and 9 more transcripts); c.1253A>C, p.Glu418Ala (NM_001407581.1, NM_001407582.1, NM_001407583.1 and 30 more transcripts); c.1250A>C, p.Glu417Ala (NM_001407587.1, NM_001407590.1, NM_001407591.1 and 22 more transcripts); c.1244A>C, p.Glu415Ala (NM_001407646.1, NM_001407647.1); c.1130A>C, p.Glu377Ala (NM_001407648.1, NM_001407664.1, NM_001407665.1 and 19 more transcripts); c.1127A>C, p.Glu376Ala (NM_001407649.1, NM_001407670.1, NM_001407671.1 and 11 more transcripts); c.1175A>C, p.Glu392Ala (NM_001407653.1, NM_001407654.1, NM_001407655.1 and 4 more transcripts); c.1172A>C, p.Glu391Ala (NM_001407659.1, NM_001407660.1, NM_001407661.1 and 1 more transcripts); and 40 more; short protein forms E418A, E371A, E250A, E306A, E347A, E350A, E351A, E370A.
Identifiers: ClinVar variation 481489 (VCV000481489.23), dbSNP rs1555592050, ClinGen allele CA10599548.